The following is an entry in ClinVar:

ClinVar aggregate classification (germline): Uncertain significance (1 of 4 stars; one submission).

Submission:

CeGaT Center for Human Genetics Tuebingen
Classification: Uncertain significance. Last evaluated: 2022-06-01. Review status: criteria provided, single submitter. Criteria: CeGaT Center For Human Genetics Tuebingen Variant Classification Criteria Version 2. Collection method: clinical testing. Allele origin: germline. Affected: yes. Observed: 1 variant allele.
Comment: FOXE3: PM2

NM_012186.3(FOXE3):c.61G>T (p.Ala21Ser)

Genes: FOXE3 (forkhead box E3; plus strand), LINC01389 (long independently transcribed non-coding RNA 1389; minus strand). Cytogenetic location: 1p33.
Variant type: single nucleotide variant.
Coding change: c.61G>T on transcript NM_012186.3 (MANE Select); coding-DNA position 61, G replaced by T.
Protein change: p.Ala21Ser; replaces alanine 21 with serine.
Molecular consequence: missense variant.
Genome position (GRCh38, 1-based): chr1:47,416,376, G>T. VCF-style: chr1-47416376-G-T. GRCh37 (hg19) VCF-style: chr1-47882048-G-T.
Other names: short protein forms A21S.
Identifiers: ClinVar variation 1694511 (VCV001694511.31), dbSNP rs886379083, ClinGen allele CA340248958.
Genomic context (GRCh38, chr1:47,416,376, plus strand): 5'-ATGGCGGGGCGCAGCGACATGGATCCGCCCGCCGCGTTCTCTGGCTTCCCTGCCCTGCCA[G>T]CGGTCGCGCCGTCGGGGCCGCCGCCGTCGCCGCTCGCAGGAGCCGAGCCAGGGCGGGAGC-3'
Protein context (NP_036318.1, residues 11-31): AAFSGFPALP[Ala21Ser]VAPSGPPPSP